The following is an entry in ClinVar:

ClinVar aggregate classification (germline): Pathogenic (1 of 4 stars; one submission).

Submission:

Labcorp Genetics (formerly Invitae), Labcorp
Classification: Pathogenic. Last evaluated: 2023-12-04. Review status: criteria provided, single submitter. Criteria: Invitae Variant Classification Sherloc (09022015). Collection method: clinical testing. Allele origin: unknown.
Comment: This variant is a gross deletion of the genomic region encompassing exon(s) 1 of the GRIP1 gene, which includes the initiator codon. This deletion extends beyond the assayed region for this gene and therefore may encompass additional genes. It is expected to result in an absent or disrupted protein product. Loss-of-function variants in GRIP1 are known to be pathogenic (PMID: 22510445, 24357607). This variant has not been reported in the literature in individuals affected with GRIP1-related conditions. For these reasons, this variant has been classified as Pathogenic.

Literature cited by the submitters: PubMed 22510445; PubMed 24357607.

NC_000012.11:g.(?_67072610)_(67072684_?)del

Gene: GRIP1 (glutamate receptor interacting protein 1; minus strand). Cytogenetic location: 12q14.3.
Variant type: Deletion.
Identifiers: ClinVar variation 3244433 (VCV003244433.1).